The following is an entry in ClinVar:

NM_000426.4(LAMA2):c.7137T>A (p.Tyr2379Ter)

Gene: LAMA2 (laminin subunit alpha 2; plus strand). Cytogenetic location: 6q22.33.
Variant type: single nucleotide variant.
Coding change: c.7137T>A on transcript NM_000426.4 (MANE Select); coding-DNA position 7137, T replaced by A.
Protein change: p.Tyr2379Ter; replaces tyrosine 2379 with a stop codon.
Molecular consequence: nonsense.
Genome position (GRCh38, 1-based): chr6:129,464,434, T>A. VCF-style: chr6-129464434-T-A. GRCh37 (hg19) VCF-style: chr6-129785579-T-A.
Other names: c.7137T>A, p.Tyr2379Ter (NM_001079823.2); short protein forms Y2379*.
Identifiers: ClinVar variation 5003250 (VCV005003250.1).

ClinVar aggregate classification (germline): Pathogenic (1 of 4 stars; one submission).

Conditions:
LAMA2-related muscular dystrophy (LAMA2-RD). Also called: Laminin alpha 2-related dystrophy. Identifiers: MedGen C5679788, MONDO:0100228.

Submission:

Myriad Genetics, Inc.
Classification: Pathogenic for LAMA2-related muscular dystrophy. Last evaluated: 2025-10-01. Review status: criteria provided, single submitter. Criteria: Myriad Autosomal Dominant, Autosomal Recessive and X-Linked Classification Criteria (2023). Collection method: clinical testing. Allele origin: unknown.
Comment: NM_000426.3(LAMA2):c.7137T>A(Y2379*) is a nonsense variant classified as pathogenic in the context of muscular dystrophy, LAMA2-related. Y2379* has been observed in cases with relevant disease (PMID: 24225367). Relevant functional assessments of this variant are not available in the literature. Y2379* has not been observed in referenced population frequency databases. In summary, NM_000426.3(LAMA2):c.7137T>A(Y2379*) is a nonsense variant that has been observed more frequently in cases with the relevant disease than in healthy populations. Please note: this variant was assessed in the context of healthy population screening.

Literature cited by the submitters: PubMed 24225367.